The following is an entry in ClinVar:

ClinVar aggregate classification (germline): Uncertain significance (1 of 4 stars; one submission).

Conditions:
Cardiovascular phenotype. Identifiers: MedGen CN230736.
Hereditary cancer-predisposing syndrome. Also called: Hereditary Cancer Syndrome; Neoplastic Syndromes, Hereditary; Tumor predisposition; Hereditary neoplastic syndrome. Identifiers: Orphanet 140162, MedGen C0027672, MeSH D009386, MONDO:0015356.

Submission:

Ambry Genetics
Classification: Uncertain significance for Cardiovascular phenotype; Hereditary cancer-predisposing syndrome. Last evaluated: 2022-06-28. Review status: criteria provided, single submitter. Criteria: Ambry Variant Classification Scheme 2023. Collection method: clinical testing. Allele origin: germline.
Comment: The p.E164Q variant (also known as c.490G>C), located in coding exon 5 of the LZTR1 gene, results from a G to C substitution at nucleotide position 490. The glutamic acid at codon 164 is replaced by glutamine, an amino acid with highly similar properties. This amino acid position is conserved. In addition, the in silico prediction for this alteration is inconclusive. Since supporting evidence is limited at this time, the clinical significance of this alteration remains unclear.

NM_006767.4(LZTR1):c.490G>C (p.Glu164Gln)

Gene: LZTR1 (leucine zipper like post translational regulator 1; plus strand). Cytogenetic location: 22q11.21.
Variant type: single nucleotide variant.
Coding change: c.490G>C on transcript NM_006767.4 (MANE Select); coding-DNA position 490, G replaced by C.
Protein change: p.Glu164Gln; replaces glutamic acid 164 with glutamine.
Molecular consequence: missense variant.
Genome position (GRCh38, 1-based): chr22:20,988,099, G>C. VCF-style: chr22-20988099-G-C. GRCh37 (hg19) VCF-style: chr22-21342388-G-C.
Other names: short protein forms E164Q.
Identifiers: ClinVar variation 1744043 (VCV001744043.2), dbSNP rs2518613373, ClinGen allele CA410779900.
Genomic context (GRCh38, chr22:20,988,099, plus strand): 5'-TCTAACTTGAAGAATAAAAACGACCTCTTTGAATACAAGTTTGCAACTGGCCAGTGGACG[G>C]AGTGGAAAATTGAAGGACGGTGAGAAACTTTGCAGAAACATTTGGGACAGGCTGGGTCCT-3'
Protein context (NP_006758.2, residues 154-174): EYKFATGQWT[Glu164Gln]WKIEGRLPVA